The following is an entry in ClinVar:

NM_015602.4(TOR1AIP1):c.1646A>G (p.Tyr549Cys)

Gene: TOR1AIP1 (torsin 1A interacting protein 1; plus strand). Cytogenetic location: 1q25.2.
Variant type: single nucleotide variant.
Coding change: c.1646A>G on transcript NM_015602.4 (MANE Select); coding-DNA position 1646, A replaced by G.
Protein change: p.Tyr549Cys; replaces tyrosine 549 with cysteine.
Molecular consequence: missense variant.
Genome position (GRCh38, 1-based): chr1:179,918,133, A>G. VCF-style: chr1-179918133-A-G. GRCh37 (hg19) VCF-style: chr1-179887268-A-G.
Other names: c.1649A>G, p.Tyr550Cys (NM_001267578.2); short protein forms Y549C, Y550C.
Identifiers: ClinVar variation 947807 (VCV000947807.10), dbSNP rs762657793, ClinGen allele CA343576625.

ClinVar aggregate classification (germline): Uncertain significance (1 of 4 stars; one submission).

Conditions:
Autosomal recessive limb-girdle muscular dystrophy type 2Y (MRRSDC). Also called: Muscular dystrophy, limb-girdle, type 2y; Muscular dystrophy, autosomal recessive, with rigid spine and distal joint contractures. Identifiers: Orphanet 424261, MedGen C4511482, MONDO:0014900, OMIM 617072.

Submission:

Labcorp Genetics (formerly Invitae), Labcorp
Classification: Uncertain significance for Autosomal recessive limb-girdle muscular dystrophy type 2Y. Last evaluated: 2022-07-17. Review status: criteria provided, single submitter. Criteria: Invitae Variant Classification Sherloc (09022015). Collection method: clinical testing. Allele origin: germline.
Comment: In summary, the available evidence is currently insufficient to determine the role of this variant in disease. Therefore, it has been classified as a Variant of Uncertain Significance. Algorithms developed to predict the effect of missense changes on protein structure and function (SIFT, PolyPhen-2, Align-GVGD) all suggest that this variant is likely to be disruptive. ClinVar contains an entry for this variant (Variation ID: 947807). This variant has not been reported in the literature in individuals affected with TOR1AIP1-related conditions. This variant is not present in population databases (gnomAD no frequency). This sequence change replaces tyrosine, which is neutral and polar, with cysteine, which is neutral and slightly polar, at codon 550 of the TOR1AIP1 protein (p.Tyr550Cys).